The following is an entry in ClinVar:

NM_002691.4(POLD1):c.1860G>A (p.Thr620=)

Gene: POLD1 (DNA polymerase delta 1, catalytic subunit; plus strand). Cytogenetic location: 19q13.33.
Variant type: single nucleotide variant.
Coding change: c.1860G>A on transcript NM_002691.4 (MANE Select); coding-DNA position 1860, G replaced by A.
Protein change: p.Thr620=; no amino-acid change (threonine 620 retained).
Molecular consequence: synonymous variant. On other transcripts: non-coding transcript variant (1).
Genome position (GRCh38, 1-based): chr19:50,408,869, G>A. VCF-style: chr19-50408869-G-A. GRCh37 (hg19) VCF-style: chr19-50912126-G-A.
Other names: c.1860G>A, p.Thr620= (NM_001256849.1); c.1938G>A, p.Thr646= (NM_001308632.1).
Identifiers: ClinVar variation 380638 (VCV000380638.30), dbSNP rs1726790, ClinGen allele CA9596295.

ClinVar aggregate classification (germline): Benign. Review status: criteria provided, multiple submitters, no conflicts (2 of 4 stars). 14 submissions from 14 submitters: Benign (10). 4 of the submissions do not count toward it. Last evaluated 2026-02-04.

Conditions:
POLD1-related polyposis and colorectal cancer syndrome (CRCS10). Also called: Colorectal cancer, susceptibility to, 10; Colorectal cancer 10; COLORECTAL CANCER, SUSCEPTIBILITY TO, ON CHROMOSOME 19q. Identifiers: Orphanet 220460, MedGen C2675481, MONDO:0012953, OMIM 612591.
Carcinoma of colon (CRC). Also called: Colon carcinoma; Colonic carcinoma. Identifiers: MedGen C0699790, MONDO:0002032.
Hereditary cancer-predisposing syndrome. Also called: Neoplastic Syndromes, Hereditary; Hereditary neoplastic syndrome; Hereditary Cancer Syndrome; Tumor predisposition. Identifiers: Orphanet 140162, MedGen C0027672, MeSH D009386, MONDO:0015356.

Allele frequency attached by ClinVar (database versions not stated): gnomAD exomes 0.00309 and 0.00878; ExAC 0.01053; gnomAD 0.03334 and 0.03590; 1000 Genomes Project 0.03534; ESP Exome Variant Server 0.03752; 1000 Genomes Project 30x 0.03795; TOPMed 0.03819.
gnomAD v4.1: 9,803 of 1,613,480 alleles (0.61%); highest among the groups gnomAD compares: African/African-American, 11%; 524 homozygotes.

Submissions (14):

Labcorp Genetics (formerly Invitae), Labcorp
Classification: Benign for POLD1-related polyposis and colorectal cancer syndrome. Last evaluated: 2026-02-04. Review status: criteria provided, single submitter. Criteria: Invitae Variant Classification Sherloc (09022015). Collection method: clinical testing. Allele origin: germline.

Center for Genomic Medicine, Rigshospitalet, Copenhagen University Hospital
Classification: Benign. Last evaluated: 2025-03-04. Review status: criteria provided, single submitter. Criteria: ACMG Guidelines, 2015. Collection method: clinical testing. Allele origin: germline.

Institute for Biomarker Research, Medical Diagnostic Laboratories, L.L.C.
Classification: Benign for Hereditary cancer-predisposing syndrome. Last evaluated: 2025-01-20. Review status: criteria provided, single submitter. Criteria: ACMG Guidelines, 2015. Collection method: clinical testing. Allele origin: germline.
Comment: The synonymous variant NM_001308632.1(POLD1):c.1938G>A (p.Thr646=) has been reported to ClinVar as Benign with a status of (2 stars) criteria provided, multiple submitters, no conflicts (Variation ID 380638 as of 2025-01-02). The p.Thr646= variant is observed in 177/5,008 (3.5343%) alleles from individuals of 1kG All background in 1kG, indicating it is a common benign variant. The p.Thr646= variant is not predicted to disrupt an existing splice site. The p.Thr646= variant results in a substitution of a base that is not predicted conserved by GERP++ and PhyloP. For these reasons, this variant has been classified as Benign.

KCCC/NGS Laboratory, Kuwait Cancer Control Center
Classification: Benign for POLD1-related polyposis and colorectal cancer syndrome. Last evaluated: 2023-07-07. Review status: criteria provided, single submitter. Criteria: ACMG Guidelines, 2015. Collection method: clinical testing. Allele origin: germline. Affected: yes.

PreventionGenetics, part of Exact Sciences
Classification: Benign. Last evaluated: 2016-12-06. Review status: criteria provided, single submitter. Criteria: ACMG Guidelines, 2015. Collection method: clinical testing. Allele origin: germline.

Quest Diagnostics Nichols Institute San Juan Capistrano
Classification: Benign. Last evaluated: 2016-08-04. Review status: criteria provided, single submitter. Criteria: Quest Diagnostics criteria. Collection method: clinical testing. Allele origin: unknown.

Women's Health and Genetics/Laboratory Corporation of America, LabCorp
Classification: Benign. Last evaluated: 2016-05-19. Review status: criteria provided, single submitter. Criteria: LabCorp Variant Classification Summary - May 2015. Collection method: clinical testing. Allele origin: germline.
Comment: Variant summary: The c.1860G>A (p.Thr620=) in PolD1 gene is a synonymous change that involves a non-conserved nucleotide. 5/5 programs in Alamut predict that this variant does not affect normal splicing, however no functional studies supporting this notion were published at the time of evaluation. The variant is present in the control population dataset of ExAC at frequency of 1%, predominantly in individuals of African descent (~11%), including numerous homozygous occurrences. The variant of interest has not, to our knowledge, been reported in affected individualsor cited by reputable databases/clinical laboratories. Taking together, based on the prevalence of this variant in general population the variant was classified as Benign.

GeneDx
Classification: Benign. Last evaluated: 2015-11-13. Review status: criteria provided, single submitter. Criteria: GeneDx Variant Classification (06012015). Collection method: clinical testing. Allele origin: germline. Affected: yes.
Comment: This variant is considered likely benign or benign based on one or more of the following criteria: it is a conservative change, it occurs at a poorly conserved position in the protein, it is predicted to be benign by multiple in silico algorithms, and/or has population frequency not consistent with disease.

Ambry Genetics
Classification: Benign for Hereditary cancer-predisposing syndrome. Last evaluated: 2015-05-20. Review status: criteria provided, single submitter. Criteria: Ambry Variant Classification Scheme 2023. Collection method: clinical testing. Allele origin: germline.

Breakthrough Genomics
Classification: Benign. Review status: criteria provided, single submitter. Criteria: ACMG Guidelines, 2015. Collection method: not provided. Allele origin: germline. Inheritance: Autosomal dominant inheritance. Affected: yes.

True Health Diagnostics
Classification: Likely benign for Hereditary cancer-predisposing syndrome. Last evaluated: 2017-10-25. Review status: no assertion criteria provided. Collection method: clinical testing. Allele origin: germline. Not counted in ClinVar's aggregate classification.

Clinical Genetics, Academic Medical Center
Classification: Benign. Review status: no assertion criteria provided. Collection method: clinical testing. Allele origin: germline. Affected: yes. Study: VKGL Data-share Consensus. Not counted in ClinVar's aggregate classification.

Department of Pathology and Laboratory Medicine, Sinai Health System
Classification: Benign for Carcinoma of colon. Review status: no assertion criteria provided. Collection method: clinical testing. Allele origin: unknown. Affected: yes. Study: The Canadian Open Genetics Repository (COGR). Not counted in ClinVar's aggregate classification.
Comment: The POLD1 p.Thr620= variant was identified in dbSNP (ID: rs1726790) â€šÃ„ÃºWith Benign alleleâ€šÃ„Ã¹, ClinVar (classified benign by GeneDx, Invitae, Ambry Genetics and Quest Diagnostics Nichols Institute San Juan Capistrano), and in control databases in 3057 (172 homozygous) of 275952 chromosomes at a frequency of 0.01 increasing the likelihood this could be a low frequency benign variant (Genome Aggregation Database Feb 27, 2017). Breakdown of the observations by population include African in 2743 (170 homozygous) of 24006 chromosomes (freq: 0.1), Other in 27 of 6436 chromosomes (freq: 0.004), Latino in 252 (2 homozygous) of 34266 chromosomes (freq: 0.007), European Non-Finnish in 32 of 125908 chromosomes (freq: 0.0003), Ashkenazi Jewish in 1 of 10078 chromosomes (freq: 0.0001), and South Asian in 2 of 30692 chromosomes (freq: 0.00007), while not observed in the East Asian and European Finnish populations. The p.Thr620= variant is not expected to have clinical significance because it does not result in a change of amino acid and is not located in a known consensus splice site. In addition, in silico or computational prediction software programs (SpliceSiteFinder, MaxEntScan, NNSPLICE, GeneSplicer, HumanSpliceFinder) do not predict a difference in splicing. In summary, based on the above information this variant meets our laboratory's criteria to be classified as benign.

Genome Diagnostics Laboratory, Amsterdam University Medical Center
Classification: Benign. Review status: no assertion criteria provided. Collection method: clinical testing. Allele origin: germline. Affected: yes. Study: VKGL Data-share Consensus. Not counted in ClinVar's aggregate classification.